The following is an entry in ClinVar:

ClinVar aggregate classification (germline): Uncertain significance (1 of 4 stars; one submission).

Conditions:
Hereditary nonpolyposis colorectal neoplasms. Identifiers: MedGen C0009405, MeSH D003123.

Submission:

Labcorp Genetics (formerly Invitae), Labcorp
Classification: Uncertain significance for Hereditary nonpolyposis colorectal neoplasms. Last evaluated: 2023-08-10. Review status: criteria provided, single submitter. Criteria: Invitae Variant Classification Sherloc (09022015). Collection method: clinical testing. Allele origin: germline.
Comment: ClinVar contains an entry for this variant (Variation ID: 947019). Advanced modeling of protein sequence and biophysical properties (such as structural, functional, and spatial information, amino acid conservation, physicochemical variation, residue mobility, and thermodynamic stability) performed at Invitae indicates that this missense variant is not expected to disrupt MSH6 protein function. In summary, the available evidence is currently insufficient to determine the role of this variant in disease. Therefore, it has been classified as a Variant of Uncertain Significance. This variant has not been reported in the literature in individuals affected with MSH6-related conditions. This sequence change replaces isoleucine, which is neutral and non-polar, with phenylalanine, which is neutral and non-polar, at codon 871 of the MSH6 protein (p.Ile871Phe). This variant is not present in population databases (gnomAD no frequency).

NM_000179.3(MSH6):c.2611A>T (p.Ile871Phe)

Gene: MSH6 (mutS homolog 6; plus strand). Cytogenetic location: 2p16.3.
Variant type: single nucleotide variant.
Coding change: c.2611A>T on transcript NM_000179.3 (MANE Select); coding-DNA position 2611, A replaced by T.
Protein change: p.Ile871Phe; replaces isoleucine 871 with phenylalanine.
Molecular consequence: missense variant.
Genome position (GRCh38, 1-based): chr2:47,800,594, A>T. VCF-style: chr2-47800594-A-T. GRCh37 (hg19) VCF-style: chr2-48027733-A-T.
Other names: c.2221A>T, p.Ile741Phe (NM_001281492.2); c.1705A>T, p.Ile569Phe (NM_001281493.2, NM_001281494.2); short protein forms I741F, I569F, I871F.
Identifiers: ClinVar variation 947019 (VCV000947019.10), dbSNP rs1572727849, ClinGen allele CA346754989.
Genomic context (GRCh38, chr2:47,800,594, plus strand): 5'-AGCAAGAAGAAGATTATTGATTTTCTTTCTGCTCTGGAAGGATTCAAAGTAATGTGTAAA[A>T]TTATAGGGATCATGGAAGAAGTTGCTGATGGTTTTAAGTCTAAAATCCTTAAGCAGGTCA-3'
Protein context (NP_000170.1, residues 861-881): ALEGFKVMCK[Ile871Phe]IGIMEEVADG